The following is an entry in ClinVar:

NM_001042681.2(RERE):c.4189G>T (p.Ala1397Ser)

Gene: RERE (arginine-glutamic acid dipeptide repeats; minus strand). Cytogenetic location: 1p36.23.
Variant type: single nucleotide variant.
Coding change: c.4189G>T on transcript NM_001042681.2 (MANE Select); coding-DNA position 4189, G replaced by T.
Protein change: p.Ala1397Ser; replaces alanine 1397 with serine.
Molecular consequence: missense variant.
Genome position (GRCh38, 1-based): chr1:8,358,346, C>A on the plus strand (G>T on the coding strand, the complement: RERE is on the minus strand). VCF-style: chr1-8358346-C-A. GRCh37 (hg19) VCF-style: chr1-8418406-C-A.
Other names: c.2527G>T, p.Ala843Ser (NM_001042682.2); c.4189G>T, p.Ala1397Ser (NM_012102.4); short protein forms A1397S, A843S.
Identifiers: ClinVar variation 1307815 (VCV001307815.2), dbSNP rs1481358827, ClinGen allele CA338169025.

ClinVar aggregate classification (germline): Uncertain significance (1 of 4 stars; one submission).

gnomAD v4.1: 1 of 1,613,050 alleles (0.000062%); highest among the groups gnomAD compares: South Asian, 0.0011%; no homozygotes.

Submission:

GeneDx
Classification: Uncertain significance. Last evaluated: 2019-08-20. Review status: criteria provided, single submitter. Criteria: GeneDx Variant Classification Process June 2021. Collection method: clinical testing. Allele origin: germline. Affected: yes.
Comment: Not observed in large population cohorts (Lek et al., 2016); In silico analysis, which includes protein predictors and evolutionary conservation, supports that this variant does not alter protein structure/function; Has not been previously published as pathogenic or benign to our knowledge